The following is an entry in ClinVar:

ClinVar aggregate classification (germline): Uncertain significance (1 of 4 stars; one submission).

Conditions:
Hereditary cancer-predisposing syndrome. Also called: Tumor predisposition; Hereditary Cancer Syndrome; Hereditary neoplastic syndrome; Neoplastic Syndromes, Hereditary. Identifiers: Orphanet 140162, MedGen C0027672, MeSH D009386, MONDO:0015356.

Submission:

Ambry Genetics
Classification: Uncertain significance for Hereditary cancer-predisposing syndrome. Last evaluated: 2024-04-07. Review status: criteria provided, single submitter. Criteria: Ambry Variant Classification Scheme 2023. Collection method: clinical testing. Allele origin: germline.
Comment: The p.A9T variant (also known as c.25G>A), located in coding exon 1 of the FH gene, results from a G to A substitution at nucleotide position 25. The alanine at codon 9 is replaced by threonine, an amino acid with similar properties. This amino acid position is conserved. In addition, the in silico prediction for this alteration is inconclusive. Based on the available evidence, the clinical significance of this variant remains unclear.

NM_000143.4(FH):c.25G>A (p.Ala9Thr)

Gene: FH (fumarate hydratase; minus strand). Cytogenetic location: 1q43.
Variant type: single nucleotide variant.
Coding change: c.25G>A on transcript NM_000143.4 (MANE Select); coding-DNA position 25, G replaced by A.
Protein change: p.Ala9Thr; replaces alanine 9 with threonine.
Molecular consequence: missense variant.
Genome position (GRCh38, 1-based): chr1:241,519,698, C>T on the plus strand (G>A on the coding strand, the complement: FH is on the minus strand). VCF-style: chr1-241519698-C-T. GRCh37 (hg19) VCF-style: chr1-241682998-C-T.
Other names: short protein forms A9T.
Identifiers: ClinVar variation 3278732 (VCV003278732.1).